The following is an entry in ClinVar:

ClinVar aggregate classification (germline): Uncertain significance (1 of 4 stars; one submission).

Submission:

Ambry Genetics
Classification: Uncertain significance. Last evaluated: 2024-06-25. Review status: criteria provided, single submitter. Criteria: Ambry Variant Classification Scheme 2023. Collection method: clinical testing. Allele origin: germline.
Comment: The p.S1040F variant (also known as c.3119C>T), located in coding exon 27 of the PRKDC gene, results from a C to T substitution at nucleotide position 3119. The serine at codon 1040 is replaced by phenylalanine, an amino acid with highly dissimilar properties. This amino acid position is conserved. In addition, this alteration is predicted to be deleterious by in silico analysis. Based on the available evidence, the clinical significance of this variant remains unclear.

NM_006904.7(PRKDC):c.3119C>T (p.Ser1040Phe)

Gene: PRKDC (protein kinase, DNA-activated, catalytic subunit; minus strand). Cytogenetic location: 8q11.21.
Variant type: single nucleotide variant.
Coding change: c.3119C>T on transcript NM_006904.7 (MANE Select); coding-DNA position 3119, C replaced by T.
Protein change: p.Ser1040Phe; replaces serine 1040 with phenylalanine.
Molecular consequence: missense variant.
Genome position (GRCh38, 1-based): chr8:47,902,719, G>A on the plus strand (C>T on the coding strand, the complement: PRKDC is on the minus strand). VCF-style: chr8-47902719-G-A. GRCh37 (hg19) VCF-style: chr8-48815279-G-A.
Other names: c.3119C>T, p.Ser1040Phe (NM_001081640.2); short protein forms S1040F.
Identifiers: ClinVar variation 3425253 (VCV003425253.1).